The following is an entry in ClinVar:

ClinVar aggregate classification (germline): Uncertain significance. Review status: criteria provided, multiple submitters, no conflicts (2 of 4 stars). 2 submissions from 2 submitters: Uncertain significance (2). Last evaluated 2025-05-05.

Conditions:
Progressive sclerosing poliodystrophy (MTDPS4A). Also called: ALPERS DIFFUSE DEGENERATION OF CEREBRAL GRAY MATTER WITH HEPATIC CIRRHOSIS; Mitochondrial DNA Depletion Syndrome 4A; Alpers-Huttenlocher Syndrome (AHS); NEURONAL DEGENERATION OF CHILDHOOD WITH LIVER DISEASE, PROGRESSIVE; Alpers Syndrome; ALPERS PROGRESSIVE INFANTILE POLIODYSTROPHY. Identifiers: Orphanet 726, MedGen C0205710, MONDO:0008758, OMIM 203700.

Allele frequency attached by ClinVar (database versions not stated): gnomAD exomes 0.00001 and below 0.00001; TOPMed below 0.00001; ExAC 0.00001; gnomAD 0.00002.

Submissions (2):

Dasa
Classification: Uncertain significance. Last evaluated: 2025-05-05. Review status: criteria provided, single submitter. Criteria: DASA Assertion Criteria. Collection method: clinical testing. Allele origin: germline.
Comment: NM_002693.3(POLG):c.3493G>A (p.Ala1165Thr) is a missense variant that results in the substitution of alanine with threonine. This variant is rare in population databases. Computational prediction algorithms are consistent with a deleterious effect. The currently available literature and clinical evidence are not sufficient to establish a definitive association between this variant and the reported condition. Therefore, this variant is classified as a variant of uncertain significance.

Institute of Human Genetics, University of Leipzig Medical Center
Classification: Uncertain significance for Progressive sclerosing poliodystrophy. Last evaluated: 2019-01-01. Review status: criteria provided, single submitter. Criteria: ACMG Guidelines, 2015. Collection method: clinical testing. Allele origin: unknown. Affected: yes.

NM_002693.3(POLG):c.3493G>A (p.Ala1165Thr)

Gene: POLG (DNA polymerase gamma, catalytic subunit; minus strand). Cytogenetic location: 15q26.1.
Variant type: single nucleotide variant.
Coding change: c.3493G>A on transcript NM_002693.3 (MANE Select); coding-DNA position 3493, G replaced by A.
Protein change: p.Ala1165Thr; replaces alanine 1165 with threonine.
Molecular consequence: missense variant.
Genome position (GRCh38, 1-based): chr15:89,317,526, C>T on the plus strand (G>A on the coding strand, the complement: POLG is on the minus strand). VCF-style: chr15-89317526-C-T. GRCh37 (hg19) VCF-style: chr15-89860757-C-T.
Other names: c.3493G>A, p.Ala1165Thr (NM_001126131.2); short protein forms A1165T.
Identifiers: ClinVar variation 982888 (VCV000982888.3), dbSNP rs778611629, ClinGen allele CA7724111.